The following is an entry in ClinVar:

NM_144573.4(NEXN):c.1434C>A (p.Asp478Glu)

Gene: NEXN (nexilin F-actin binding protein; plus strand). Cytogenetic location: 1p31.1.
Variant type: single nucleotide variant.
Coding change: c.1434C>A on transcript NM_144573.4 (MANE Select); coding-DNA position 1434, C replaced by A.
Protein change: p.Asp478Glu; replaces aspartic acid 478 with glutamic acid.
Molecular consequence: missense variant.
Genome position (GRCh38, 1-based): chr1:77,936,005, C>A. VCF-style: chr1-77936005-C-A. GRCh37 (hg19) VCF-style: chr1-78401690-C-A.
Other names: c.1242C>A, p.Asp414Glu (NM_001172309.2); short protein forms D414E, D478E.
Identifiers: ClinVar variation 4614690 (VCV004614690.2).

ClinVar aggregate classification (germline): Uncertain significance. Review status: criteria provided, multiple submitters, no conflicts (2 of 4 stars). 2 submissions from 2 submitters: Uncertain significance (2). Last evaluated 2025-12-10.

Conditions:
Hypertrophic cardiomyopathy 20. Identifiers: MedGen C3151267, MONDO:0013477, OMIM 613876.
Dilated cardiomyopathy 1CC (CMD1CC). Identifiers: Orphanet 154, MedGen C2751084, MONDO:0013147, OMIM 613122.
Cardiovascular phenotype. Identifiers: MedGen CN230736.

Submissions (2):

Labcorp Genetics (formerly Invitae), Labcorp
Classification: Uncertain significance for Dilated cardiomyopathy 1CC; Hypertrophic cardiomyopathy 20. Last evaluated: 2025-12-10. Review status: criteria provided, single submitter. Criteria: Invitae Variant Classification Sherloc (09022015). Collection method: clinical testing. Allele origin: germline.
Comment: This sequence change replaces aspartic acid, which is acidic and polar, with glutamic acid, which is acidic and polar, at codon 478 of the NEXN protein (p.Asp478Glu). This variant is not present in population databases (gnomAD no frequency). This variant has not been reported in the literature in individuals affected with NEXN-related conditions. Invitae Evidence Modeling of protein sequence and biophysical properties (such as structural, functional, and spatial information, amino acid conservation, physicochemical variation, residue mobility, and thermodynamic stability) has been performed for this missense variant. However, the output from this modeling did not meet the statistical confidence thresholds required to predict the impact of this variant on NEXN protein function. In summary, the available evidence is currently insufficient to determine the role of this variant in disease. Therefore, it has been classified as a Variant of Uncertain Significance.

Ambry Genetics
Classification: Uncertain significance for Cardiovascular phenotype. Last evaluated: 2025-09-25. Review status: criteria provided, single submitter. Criteria: Ambry Variant Classification Scheme 2023. Collection method: clinical testing. Allele origin: germline.
Comment: The p.D478E variant (also known as c.1434C>A), located in coding exon 10 of the NEXN gene, results from a C to A substitution at nucleotide position 1434. The aspartic acid at codon 478 is replaced by glutamic acid, an amino acid with highly similar properties. This amino acid position is conserved. In addition, this alteration is predicted to be tolerated by in silico analysis. Based on the available evidence, the clinical significance of this variant remains unclear.